The following is an entry in ClinVar:

NC_000007.14:g.(?_21683764)_(21683964_?)del

Gene: DNAH11 (dynein axonemal heavy chain 11; plus strand). Cytogenetic location: 7p15.3.
Variant type: Deletion.
Identifiers: ClinVar variation 525582 (VCV000525582.13).

ClinVar aggregate classification (germline): Pathogenic (1 of 4 stars; one submission).

Conditions:
Primary ciliary dyskinesia. Also called: Ciliary dyskinesia. Identifiers: Orphanet 244, MedGen C0008780, MONDO:0016575, HP:0012265.

Submission:

Labcorp Genetics (formerly Invitae), Labcorp
Classification: Pathogenic for Primary ciliary dyskinesia. Last evaluated: 2017-12-13. Review status: criteria provided, single submitter. Criteria: Invitae Variant Classification Sherloc (09022015). Collection method: clinical testing. Allele origin: germline.
Comment: For these reasons, this variant has been classified as Pathogenic. Loss-of-function variants in DNAH11 are known to be pathogenic (PMID: 18022865, 20513915, 22184204). Deletion of exon 32 has not been reported in the literature in individuals with DNAH11-related disease. This variant is an out-of-frame deletion of the genomic region encompassing exon 32 of the DNAH11 gene. This is expected to create a premature translational stop signal and result in an absent or disrupted protein product.

Literature cited by the submitters: PubMed 18022865; PubMed 20513915; PubMed 22184204.